The following is an entry in ClinVar:

NM_018557.3(LRP1B):c.3128C>G (p.Thr1043Ser)

Gene: LRP1B (LDL receptor related protein 1B; minus strand). Cytogenetic location: 2q22.1.
Variant type: single nucleotide variant.
Coding change: c.3128C>G on transcript NM_018557.3 (MANE Select); coding-DNA position 3128, C replaced by G.
Protein change: p.Thr1043Ser; replaces threonine 1043 with serine.
Molecular consequence: missense variant.
Genome position (GRCh38, 1-based): chr2:140,950,243, G>C on the plus strand (C>G on the coding strand, the complement: LRP1B is on the minus strand). VCF-style: chr2-140950243-G-C. GRCh37 (hg19) VCF-style: chr2-141707812-G-C.
Other names: short protein forms T1043S.
Identifiers: ClinVar variation 776343 (VCV000776343.29), dbSNP rs141827692, ClinGen allele CA1895507.

ClinVar aggregate classification (germline): Benign/Likely benign. Review status: criteria provided, multiple submitters, no conflicts (2 of 4 stars). 4 submissions from 4 submitters: Benign (2); Likely benign (1). 1 of the submissions does not count toward it. Last evaluated 2026-04-01.

Conditions:
LRP1B-related disorder. Also called: LRP1B-related condition.

Allele frequency attached by ClinVar (database versions not stated): 1000 Genomes Project 30x 0.00078; 1000 Genomes Project 0.00080; TOPMed 0.00437; gnomAD 0.00475 and 0.00492; ESP Exome Variant Server 0.00538; ExAC 0.00574.
gnomAD v4.1: 10,218 of 1,582,700 alleles (0.65%); highest among the groups gnomAD compares: Non-Finnish European, 0.73%; 39 homozygotes.

Submissions (4):

CeGaT Center for Human Genetics Tuebingen
Classification: Likely benign. Last evaluated: 2026-04-01. Review status: criteria provided, single submitter. Criteria: CeGaT Center For Human Genetics Tuebingen Variant Classification Criteria Version 2. Collection method: clinical testing. Allele origin: germline. Affected: yes. Observed: 2 variant alleles.
Comment: LRP1B: BP4, BS2

Labcorp Genetics (formerly Invitae), Labcorp
Classification: Benign. Last evaluated: 2018-07-09. Review status: criteria provided, single submitter. Criteria: Invitae Variant Classification Sherloc (09022015). Collection method: clinical testing. Allele origin: germline.

Breakthrough Genomics
Classification: Benign. Review status: criteria provided, single submitter. Criteria: ACMG Guidelines, 2015. Collection method: not provided. Allele origin: germline. Inheritance: Unknown mechanism. Affected: yes.

PreventionGenetics, part of Exact Sciences
Classification: Benign for LRP1B-related condition. Last evaluated: 2019-03-14. Review status: no assertion criteria provided. Collection method: clinical testing. Allele origin: germline. Not counted in ClinVar's aggregate classification.
Comment: This variant is classified as benign based on ACMG/AMP sequence variant interpretation guidelines (Richards et al. 2015 PMID: 25741868, with internal and published modifications).